The following is an entry in ClinVar:

ClinVar aggregate classification (germline): Uncertain significance. Review status: criteria provided, multiple submitters, no conflicts (2 of 4 stars). 2 submissions from 2 submitters: Uncertain significance (2). Last evaluated 2025-11-04.

Conditions:
Cardiovascular phenotype. Identifiers: MedGen CN230736.
Hereditary cancer-predisposing syndrome. Also called: Hereditary neoplastic syndrome; Neoplastic Syndromes, Hereditary; Tumor predisposition; Hereditary Cancer Syndrome. Identifiers: Orphanet 140162, MedGen C0027672, MeSH D009386, MONDO:0015356.
Neurofibromatosis, type 1 (NF1). Also called: Peripheral type neurofibromatosis; Neurofibromatosis, type I; VON RECKLINGHAUSEN DISEASE; NEUROFIBROMATOSIS, TYPE I, SOMATIC. Identifiers: Orphanet 636, MedGen C0027831, MONDO:0018975, OMIM 162200. Disease mechanism: loss of function.

Submissions (2):

Ambry Genetics
Classification: Uncertain significance for Cardiovascular phenotype; Hereditary cancer-predisposing syndrome. Last evaluated: 2025-11-04. Review status: criteria provided, single submitter. Criteria: Ambry Variant Classification Scheme 2023. Collection method: clinical testing. Allele origin: germline.
Comment: The p.K362E variant (also known as c.1084A>G), located in coding exon 10 of the NF1 gene, results from an A to G substitution at nucleotide position 1084. The lysine at codon 362 is replaced by glutamic acid, an amino acid with similar properties. This amino acid position is conserved. In addition, the in silico prediction for this alteration is inconclusive. Based on the available evidence, the clinical significance of this variant remains unclear.

Labcorp Genetics (formerly Invitae), Labcorp
Classification: Uncertain significance for Neurofibromatosis, type 1. Last evaluated: 2025-02-25. Review status: criteria provided, single submitter. Criteria: Invitae Variant Classification Sherloc (09022015). Collection method: clinical testing. Allele origin: germline.
Comment: This sequence change replaces lysine, which is basic and polar, with glutamic acid, which is acidic and polar, at codon 362 of the NF1 protein (p.Lys362Glu). This variant is not present in population databases (gnomAD no frequency). This variant has not been reported in the literature in individuals affected with NF1-related conditions. ClinVar contains an entry for this variant (Variation ID: 1020023). Invitae Evidence Modeling of protein sequence and biophysical properties (such as structural, functional, and spatial information, amino acid conservation, physicochemical variation, residue mobility, and thermodynamic stability) indicates that this missense variant is expected to disrupt NF1 protein function with a positive predictive value of 95%. In summary, the available evidence is currently insufficient to determine the role of this variant in disease. Therefore, it has been classified as a Variant of Uncertain Significance.

NM_001042492.3(NF1):c.1084A>G (p.Lys362Glu)

Gene: NF1 (neurofibromin 1; plus strand). Cytogenetic location: 17q11.2.
Variant type: single nucleotide variant.
Coding change: c.1084A>G on transcript NM_001042492.3 (MANE Select); coding-DNA position 1084, A replaced by G.
Protein change: p.Lys362Glu; replaces lysine 362 with glutamic acid.
Molecular consequence: missense variant.
Genome position (GRCh38, 1-based): chr17:31,201,058, A>G. VCF-style: chr17-31201058-A-G. GRCh37 (hg19) VCF-style: chr17-29528076-A-G.
Other names: c.1084A>G, p.Lys362Glu (NM_000267.4, NM_001128147.3); short protein forms K362E.
Identifiers: ClinVar variation 1020023 (VCV001020023.6), dbSNP rs2066519027, ClinGen allele CA398996770.
Genomic context (GRCh38, chr17:31,201,058, plus strand): 5'-GTATTTAAAGGCTTTTGTTTTCTGTTGGGGTTTTTATAGAACCTGCTTTTTAATCCAAGT[A>G]AGCCATTCTCAAGAGGCAGTCAGCCTGCAGATGTGGATCTAATGATTGACTGCCTTGTTT-3'
Protein context (NP_001035957.1, residues 352-372): DLKNLLFNPS[Lys362Glu]PFSRGSQPAD